The following is an entry in ClinVar:

NM_012154.5(AGO2):c.589G>A (p.Glu197Lys)

Genes: AGO2 (argonaute RISC catalytic component 2; minus strand), LOC126860545 (MED14-independent group 3 enhancer GRCh37_chr8:141569579-141570778; plus strand). Cytogenetic location: 8q24.3.
Variant type: single nucleotide variant.
Coding change: c.589G>A on transcript NM_012154.5 (MANE Select); coding-DNA position 589, G replaced by A.
Protein change: p.Glu197Lys; replaces glutamic acid 197 with lysine.
Molecular consequence: missense variant.
Genome position (GRCh38, 1-based): chr8:140,560,440, C>T on the plus strand (G>A on the coding strand, the complement: AGO2 is on the minus strand). VCF-style: chr8-140560440-C-T. GRCh37 (hg19) VCF-style: chr8-141570539-C-T.
Other names: c.589G>A, p.Glu197Lys (NM_001164623.3); short protein forms E197K.
Identifiers: ClinVar variation 4852466 (VCV004852466.1).

ClinVar aggregate classification (germline): Likely pathogenic (1 of 4 stars; one submission).

Conditions:
Lessel-Kreienkamp syndrome. Identifiers: MedGen C5436892, MONDO:0030897, OMIM 619149.

Submission:

Clinical Genetics Laboratory, Skane University Hospital Lund
Classification: Likely pathogenic for Lessel-Kreienkamp syndrome. Last evaluated: 2026-06-01. Review status: criteria provided, single submitter. Criteria: ACMG Guidelines, 2015. Collection method: clinical testing. Allele origin: germline. Inheritance: Autosomal dominant inheritance. Affected: yes.
Comment: ACMG criteria: PS2_Moderate, PM1 and PM2.